The following is an entry in ClinVar:

ClinVar aggregate classification (germline): Likely pathogenic. Review status: criteria provided, multiple submitters, no conflicts (2 of 4 stars). 2 submissions from 2 submitters: Likely pathogenic (2). Last evaluated 2024-08-16.

Conditions:
GNRHR-related disorders.

Allele frequency attached by ClinVar (database versions not stated): gnomAD exomes 0.00001; TOPMed 0.00001.

Submissions (2):

Blueprint Genetics
Classification: Likely pathogenic for GNRHR-related disorders. Last evaluated: 2024-08-16. Review status: criteria provided, single submitter. Criteria: ACMG Guidelines, 2015. Collection method: clinical testing. Allele origin: germline. Affected: yes. Observed: 2 variant alleles.

Labcorp Genetics (formerly Invitae), Labcorp
Classification: Likely pathogenic. Last evaluated: 2024-05-20. Review status: criteria provided, single submitter. Criteria: Invitae Variant Classification Sherloc (09022015). Collection method: clinical testing. Allele origin: germline.
Comment: This sequence change replaces arginine, which is basic and polar, with glutamine, which is neutral and polar, at codon 38 of the GNRHR protein (p.Arg38Gln). This variant is present in population databases (no rsID available, gnomAD 0.003%). This missense change has been observed in individual(s) with hypogonadotrophic hypogonadism (PMID: 35798295; Invitae). In at least one individual the data is consistent with being in trans (on the opposite chromosome) from a pathogenic variant. Advanced modeling of protein sequence and biophysical properties (such as structural, functional, and spatial information, amino acid conservation, physicochemical variation, residue mobility, and thermodynamic stability) performed at Invitae indicates that this missense variant is not expected to disrupt GNRHR protein function with a negative predictive value of 80%. In summary, the currently available evidence indicates that the variant is pathogenic, but additional data are needed to prove that conclusively. Therefore, this variant has been classified as Likely Pathogenic.

Literature cited by the submitters: PubMed 35798295 (cited by Labcorp Genetics (formerly Invitae), Labcorp).

NM_000406.3(GNRHR):c.113G>A (p.Arg38Gln)

Gene: GNRHR (gonadotropin releasing hormone receptor; minus strand). Cytogenetic location: 4q13.2.
Variant type: single nucleotide variant.
Coding change: c.113G>A on transcript NM_000406.3 (MANE Select); coding-DNA position 113, G replaced by A.
Protein change: p.Arg38Gln; replaces arginine 38 with glutamine.
Molecular consequence: missense variant.
Genome position (GRCh38, 1-based): chr4:67,754,223, C>T on the plus strand (G>A on the coding strand, the complement: GNRHR is on the minus strand). VCF-style: chr4-67754223-C-T. GRCh37 (hg19) VCF-style: chr4-68619941-C-T.
Other names: c.113G>A, p.Arg38Gln (NM_001012763.2); short protein forms R38Q.
Identifiers: ClinVar variation 3004558 (VCV003004558.4), dbSNP rs1490204113, ClinGen allele CA357056377.